The following is an entry in ClinVar:

NM_001365480.1(CCDC88A):c.725G>A (p.Arg242Gln)

Gene: CCDC88A (coiled-coil domain containing 88A; minus strand). Cytogenetic location: 2p16.1.
Variant type: single nucleotide variant.
Coding change: c.725G>A on transcript NM_001365480.1 (MANE Select); coding-DNA position 725, G replaced by A.
Protein change: p.Arg242Gln; replaces arginine 242 with glutamine.
Molecular consequence: missense variant.
Genome position (GRCh38, 1-based): chr2:55,355,654, C>T on the plus strand (G>A on the coding strand, the complement: CCDC88A is on the minus strand). VCF-style: chr2-55355654-C-T. GRCh37 (hg19) VCF-style: chr2-55582790-C-T.
Other names: c.725G>A, p.Arg242Gln (NM_001135597.2, NM_001254943.2, NM_018084.5); short protein forms R242Q.
Identifiers: ClinVar variation 1418926 (VCV001418926.7), dbSNP rs756015944, ClinGen allele CA1666309.
Genomic context (GRCh38, chr2:55,355,654, plus strand): 5'-CTTCTTATCTTGGCTTTAGCATCTGCCAGTTCCACCGACAGATGTTGTCGACTTTCTGTT[C>T]GCTTCATGCCTGGAGAACCACAGGGTGACTGTGCAGATGAAGAGGCATGGGGTAGAAAAT-3'
Protein context (NP_001352409.1, residues 232-252): QSPCGSPGMK[Arg242Gln]TESRQHLSVE

ClinVar aggregate classification (germline): Uncertain significance (1 of 4 stars; one submission).

Allele frequency attached by ClinVar (database versions not stated): gnomAD 0.00001; TOPMed 0.00001; ExAC 0.00002; gnomAD exomes 0.00002 and 0.00003.
gnomAD v4.1: 43 of 1,613,912 alleles (0.0027%); highest among the groups gnomAD compares: Non-Finnish European, 0.0031%; no homozygotes.

Submission:

Labcorp Genetics (formerly Invitae), Labcorp
Classification: Uncertain significance. Last evaluated: 2023-08-10. Review status: criteria provided, single submitter. Criteria: Invitae Variant Classification Sherloc (09022015). Collection method: clinical testing. Allele origin: germline.
Comment: In summary, the available evidence is currently insufficient to determine the role of this variant in disease. Therefore, it has been classified as a Variant of Uncertain Significance. An algorithm developed to predict the effect of missense changes on protein structure and function (PolyPhen-2) suggests that this variant¬†is likely to be tolerated. ClinVar contains an entry for this variant (Variation ID: 1418926). This variant has not been reported in the literature in individuals affected with CCDC88A-related conditions. This variant is present in population databases (rs756015944, gnomAD 0.008%). This sequence change replaces arginine, which is basic and polar, with glutamine, which is neutral and polar, at codon 242 of the CCDC88A protein (p.Arg242Gln).